The following is an entry in ClinVar:

ClinVar aggregate classification (germline): Uncertain significance (1 of 4 stars; one submission).

Allele frequency attached by ClinVar (database versions not stated): gnomAD 0.00001; gnomAD exomes 0.00001.
gnomAD v4.1: 20 of 1,613,680 alleles (0.0012%); highest among the groups gnomAD compares: African/African-American, 0.0027%; no homozygotes.

Submission:

Mayo Clinic Laboratories, Mayo Clinic
Classification: Uncertain significance. Last evaluated: 2022-12-07. Review status: criteria provided, single submitter. Criteria: ACMG Guidelines, 2015. Collection method: clinical testing. Allele origin: germline. Observed: 1 variant allele.
Comment: BP4, PM2

NM_018429.3(BDP1):c.296C>T (p.Ser99Leu)

Gene: BDP1 (BDP1 general transcription factor IIIB subunit; plus strand). Cytogenetic location: 5q13.2.
Variant type: single nucleotide variant.
Coding change: c.296C>T on transcript NM_018429.3 (MANE Select); coding-DNA position 296, C replaced by T.
Protein change: p.Ser99Leu; replaces serine 99 with leucine.
Molecular consequence: missense variant.
Genome position (GRCh38, 1-based): chr5:71,458,662, C>T. VCF-style: chr5-71458662-C-T. GRCh37 (hg19) VCF-style: chr5-70754489-C-T.
Other names: p.Ser99Leu; short protein forms S99L.
Identifiers: ClinVar variation 2682887 (VCV002682887.1), dbSNP rs1761348664, ClinGen allele CA359989960.